The following is an entry in ClinVar:

ClinVar aggregate classification (germline): Uncertain significance. Review status: criteria provided, multiple submitters, no conflicts (2 of 4 stars). 3 submissions from 3 submitters: Uncertain significance (3). Last evaluated 2025-09-01.

Conditions:
Multiple system atrophy 1, susceptibility to. Also called: MSA1, SUSCEPTIBILITY TO. Identifiers: MedGen C3714927, MONDO:0020715, OMIM 146500.
Coenzyme Q10 deficiency, primary, 1. Also called: UBIQUINONE DEFICIENCY 1; COENZYME Q DEFICIENCY 1; CoQ DEFICIENCY 1. Identifiers: Orphanet 255249, MedGen C3551954, MONDO:0011829, OMIM 607426.
COQ2-related disorder. Also called: COQ2-related condition.
Inborn genetic diseases. Identifiers: MedGen C0950123, MeSH D030342.

gnomAD v4.1: 6 of 1,564,312 alleles (0.00038%); highest among the groups gnomAD compares: Non-Finnish European, 0.00052%; no homozygotes.

Submissions (3):

Ambry Genetics
Classification: Uncertain significance for Inborn genetic diseases. Last evaluated: 2025-09-01. Review status: criteria provided, single submitter. Criteria: Ambry Variant Classification Scheme 2023. Collection method: clinical testing. Allele origin: germline.

PreventionGenetics, part of Exact Sciences
Classification: Uncertain significance for COQ2-related condition. Last evaluated: 2024-12-04. Review status: criteria provided, single submitter. Criteria: ACMG Guidelines, 2015. Collection method: clinical testing. Allele origin: germline.
Comment: The COQ2 c.1006A>G variant is predicted to result in the amino acid substitution p.Met336Val. To our knowledge, this variant has not been reported in the literature or in a large population database (gnomAD), indicating this variant is rare. At this time, the clinical significance of this variant is uncertain due to the absence of conclusive functional and genetic evidence.

Fulgent Genetics
Classification: Uncertain significance for Multiple system atrophy 1, susceptibility to; Coenzyme Q10 deficiency, primary, 1. Last evaluated: 2024-05-13. Review status: criteria provided, single submitter. Criteria: ACMG Guidelines, 2015. Collection method: clinical testing. Allele origin: germline.

NM_001358921.2(COQ2):c.856A>G (p.Met286Val)

Gene: COQ2 (coenzyme Q2, polyprenyltransferase; minus strand). Cytogenetic location: 4q21.23.
Variant type: single nucleotide variant.
Coding change: c.856A>G on transcript NM_001358921.2 (MANE Select); coding-DNA position 856, A replaced by G.
Protein change: p.Met286Val; replaces methionine 286 with valine.
Molecular consequence: missense variant.
Genome position (GRCh38, 1-based): chr4:83,267,681, T>C on the plus strand (A>G on the coding strand, the complement: COQ2 is on the minus strand). VCF-style: chr4-83267681-T-C. GRCh37 (hg19) VCF-style: chr4-84188834-T-C.
Other names: c.1006A>G (NM_015697.8, NM_015697.7); c.1006A>G, p.Met336Val (NM_015697.9); short protein forms M336V, M286V.
Identifiers: ClinVar variation 3591250 (VCV003591250.3).